The following is an entry in ClinVar:

ClinVar aggregate classification (germline): Uncertain significance. Review status: criteria provided, multiple submitters, no conflicts (2 of 4 stars). 3 submissions from 3 submitters: Uncertain significance (3). Last evaluated 2024-09-10.

Conditions:
Familial adenomatous polyposis 1 (FAP1). Also called: POLYPOSIS, ADENOMATOUS INTESTINAL; FAMILIAL ADENOMATOUS POLYPOSIS 1, ATTENUATED. Identifiers: MedGen C2713442, MONDO:0021056, OMIM 175100. Disease mechanism: loss of function.
Hereditary cancer-predisposing syndrome. Also called: Hereditary Cancer Syndrome; Neoplastic Syndromes, Hereditary; Tumor predisposition; Hereditary neoplastic syndrome. Identifiers: Orphanet 140162, MedGen C0027672, MeSH D009386, MONDO:0015356.

Allele frequency attached by ClinVar (database versions not stated): gnomAD exomes below 0.00001; TOPMed below 0.00001.
gnomAD v4.1: 1 of 1,613,346 alleles (0.000062%); highest among the groups gnomAD compares: Non-Finnish European, 0.000085%; no homozygotes.

Submissions (3):

Labcorp Genetics (formerly Invitae), Labcorp
Classification: Uncertain significance for Familial adenomatous polyposis 1. Last evaluated: 2024-09-10. Review status: criteria provided, single submitter. Criteria: Invitae Variant Classification Sherloc (09022015). Collection method: clinical testing. Allele origin: germline.
Comment: This sequence change replaces glutamine, which is neutral and polar, with glutamic acid, which is acidic and polar, at codon 2127 of the APC protein (p.Gln2127Glu). This variant is not present in population databases (gnomAD no frequency). This variant has not been reported in the literature in individuals affected with APC-related conditions. ClinVar contains an entry for this variant (Variation ID: 489480). Invitae Evidence Modeling of protein sequence and biophysical properties (such as structural, functional, and spatial information, amino acid conservation, physicochemical variation, residue mobility, and thermodynamic stability) indicates that this missense variant is not expected to disrupt APC protein function with a negative predictive value of 95%. In summary, the available evidence is currently insufficient to determine the role of this variant in disease. Therefore, it has been classified as a Variant of Uncertain Significance.

Color Diagnostics, LLC DBA Color Health
Classification: Uncertain significance for Hereditary cancer-predisposing syndrome. Last evaluated: 2023-12-05. Review status: criteria provided, single submitter. Criteria: ACMG Guidelines, 2015. Collection method: clinical testing. Allele origin: germline.
Comment: This missense variant replaces glutamine with glutamic acid at codon 2127 of the APC protein. Computational prediction suggests that this variant may not impact protein structure and function (internally defined REVEL score threshold <= 0.5, PMID: 27666373). To our knowledge, functional studies have not been reported for this variant. This variant has not been reported in individuals affected with APC-related disorders in the literature. This variant has not been identified in the general population by the Genome Aggregation Database (gnomAD). The available evidence is insufficient to determine the role of this variant in disease conclusively. Therefore, this variant is classified as a Variant of Uncertain Significance.

Ambry Genetics
Classification: Uncertain significance for Hereditary cancer-predisposing syndrome. Last evaluated: 2020-11-04. Review status: criteria provided, single submitter. Criteria: Ambry Variant Classification Scheme 2023. Collection method: clinical testing. Allele origin: germline.
Comment: The p.Q2127E variant (also known as c.6379C>G), located in coding exon 15 of the APC gene, results from a C to G substitution at nucleotide position 6379. The glutamine at codon 2127 is replaced by glutamic acid, an amino acid with highly similar properties. This amino acid position is highly conserved in available vertebrate species. In addition, in silico predictors for this gene do not accurately predict pathogenicity. Since supporting evidence is limited at this time, the clinical significance of this alteration remains unclear.

NM_000038.6(APC):c.6379C>G (p.Gln2127Glu)

Gene: APC (APC regulator of Wnt signaling pathway; plus strand). Cytogenetic location: 5q22.2.
Variant type: single nucleotide variant.
Coding change: c.6379C>G on transcript NM_000038.6 (MANE Select); coding-DNA position 6379, C replaced by G.
Protein change: p.Gln2127Glu; replaces glutamine 2127 with glutamic acid.
Molecular consequence: missense variant.
Genome position (GRCh38, 1-based): chr5:112,841,973, C>G. VCF-style: chr5-112841973-C-G. GRCh37 (hg19) VCF-style: chr5-112177670-C-G.
Other names: c.6379C>G, p.Gln2127Glu (NM_001127510.3, NM_001354895.2); c.6325C>G, p.Gln2109Glu (NM_001127511.3); c.6433C>G, p.Gln2145Glu (NM_001354896.2); c.6409C>G, p.Gln2137Glu (NM_001354897.2); c.6304C>G, p.Gln2102Glu (NM_001354898.2); c.6295C>G, p.Gln2099Glu (NM_001354899.2); c.6256C>G, p.Gln2086Glu (NM_001354900.2); c.6202C>G, p.Gln2068Glu (NM_001354901.2); and 5 more; short protein forms Q2109E, Q2127E, Q1844E, Q1967E, Q2001E, Q2036E, Q2137E, Q2145E.
Identifiers: ClinVar variation 489480 (VCV000489480.19), dbSNP rs1554087377, ClinGen allele CA16035299.